The following is an entry in ClinVar:

ClinVar aggregate classification (germline): Uncertain significance (1 of 4 stars; one submission).

Submission:

Dasa
Classification: Uncertain significance. Last evaluated: 2025-05-28. Review status: criteria provided, single submitter. Criteria: DASA Assertion Criteria. Collection method: clinical testing. Allele origin: germline.
Comment: NM_182710.3(KAT5):c.29G>T (p.Gly10Val) is a missense variant that results in the substitution of glycine with valine. This variant is absent from population databases. Computational prediction algorithms are consistent with a benign effect. The currently available literature and clinical evidence are not sufficient to establish a definitive association between this variant and the reported condition. Therefore, this variant is classified as a variant of uncertain significance.

NM_182710.3(KAT5):c.29G>T (p.Gly10Val)

Gene: KAT5 (lysine acetyltransferase 5; plus strand). Cytogenetic location: 11q13.1.
Variant type: single nucleotide variant.
Coding change: c.29G>T on transcript NM_182710.3 (MANE Select); coding-DNA position 29, G replaced by T.
Protein change: p.Gly10Val; replaces glycine 10 with valine.
Molecular consequence: missense variant. On other transcripts: intron variant (2).
Genome position (GRCh38, 1-based): chr11:65,712,296, G>T. VCF-style: chr11-65712296-G-T. GRCh37 (hg19) VCF-style: chr11-65479767-G-T.
Other names: c.29G>T, p.Gly10Val (NM_001206833.2); c.12+17G>T (NM_006388.4, NM_182709.3); short protein forms G10V.
Identifiers: ClinVar variation 5020949 (VCV005020949.1).